The following is an entry in ClinVar:

ClinVar aggregate classification (germline): Benign. Review status: criteria provided, multiple submitters, no conflicts (2 of 4 stars). 2 submissions from 2 submitters: Benign (2). Last evaluated 2018-01-13.

Conditions:
Desbuquois dysplasia 1 (DBQD1). Also called: MICROMELIC DWARFISM WITH VERTEBRAL AND METAPHYSEAL ABNORMALITIES AND ADVANCED CARPOTARSAL OSSIFICATION; DESBUQUOIS DYSPLASIA 1, KIM VARIANT. Identifiers: Orphanet 1425, MedGen C4012146, MONDO:0009629, OMIM 251450.

Allele frequency attached by ClinVar (database versions not stated): ESP Exome Variant Server 0.12156; gnomAD 0.12297 and 0.12551; TOPMed 0.12862; ExAC 0.13648; 1000 Genomes Project 30x 0.16943; 1000 Genomes Project 0.17133.
gnomAD v4.1: 66,906 of 595,574 alleles (11%); highest among the groups gnomAD compares: East Asian, 31%; 4,810 homozygotes.

Submissions (2):

Illumina Laboratory Services, Illumina
Classification: Benign for Desbuquois dysplasia 1. Last evaluated: 2018-01-13. Review status: criteria provided, single submitter. Criteria: ICSL Variant Classification Criteria 13 December 2019. Collection method: clinical testing. Allele origin: germline.
Comment: This variant was observed in the ICSL laboratory as part of a predisposition screen in an ostensibly healthy population. It had not been previously curated by ICSL or reported in the Human Gene Mutation Database (HGMD: prior to June 1st, 2018), and was therefore a candidate for classification through an automated scoring system. Utilizing variant allele frequency, disease prevalence and penetrance estimates, and inheritance mode, an automated score was calculated to assess if this variant is too frequent to cause the disease. Based on the score and internal cut-off values, a variant classified as benign is not then subjected to further curation. The score for this variant resulted in a classification of benign for this disease.

Breakthrough Genomics
Classification: Benign. Review status: criteria provided, single submitter. Criteria: ACMG Guidelines, 2015. Collection method: not provided. Allele origin: germline. Inheritance: Autosomal recessive inheritance. Affected: yes.

NM_001159773.2(CANT1):c.*847C>T

Gene: CANT1 (calcium activated nucleotidase 1; minus strand). Cytogenetic location: 17q25.3.
Variant type: single nucleotide variant.
Coding change: c.*847C>T on transcript NM_001159773.2 (MANE Select); 847 bases downstream of the stop codon, C replaced by T.
Molecular consequence: 3 prime UTR variant.
Genome position (GRCh38, 1-based): chr17:78,992,703, G>A on the plus strand (C>T on the coding strand, the complement: CANT1 is on the minus strand). VCF-style: chr17-78992703-G-A. GRCh37 (hg19) VCF-style: chr17-76988785-G-A.
Other names: c.*847C>T (NM_001159772.2, NM_138793.4).
Identifiers: ClinVar variation 325681 (VCV000325681.6), dbSNP rs11891, ClinGen allele CA8808436.